The following is an entry in ClinVar:

ClinVar aggregate classification (germline): Benign (1 of 4 stars; one submission).

Allele frequency attached by ClinVar (database versions not stated): 1000 Genomes Project 30x 0.21861; 1000 Genomes Project 0.22085; TOPMed 0.30621; gnomAD 0.31343 and 0.31789; gnomAD exomes 0.35799.
gnomAD v4.1: 483,801 of 1,371,530 alleles (35%); highest among the groups gnomAD compares: Middle Eastern, 41%; 89,044 homozygotes.

Submission:

GeneDx
Classification: Benign. Last evaluated: 2018-06-14. Review status: criteria provided, single submitter. Criteria: GeneDx Variant Classification (06012015). Collection method: clinical testing. Allele origin: germline. Affected: yes.
Comment: This variant is considered likely benign or benign based on one or more of the following criteria: it is a conservative change, it occurs at a poorly conserved position in the protein, it is predicted to be benign by multiple in silico algorithms, and/or has population frequency not consistent with disease.

NM_001457.4(FLNB):c.5425+110A>G

Gene: FLNB (filamin B; plus strand). Cytogenetic location: 3p14.3.
Variant type: single nucleotide variant.
Coding change: c.5425+110A>G on transcript NM_001457.4 (MANE Select); 110 bases into the intron after coding-DNA position 5425, A replaced by G.
Molecular consequence: intron variant.
Genome position (GRCh38, 1-based): chr3:58,143,723, A>G. VCF-style: chr3-58143723-A-G. GRCh37 (hg19) VCF-style: chr3-58129450-A-G.
Other names: c.5518+110A>G (NM_001164317.2); c.5392+110A>G (NM_001164318.2); c.5353+110A>G (NM_001164319.2).
Identifiers: ClinVar variation 674880 (VCV000674880.1), dbSNP rs9826147, ClinGen allele CA11362526.
Genomic context (GRCh38, chr3:58,143,723, plus strand): 5'-GGGCAGCCTGCAGACACTCCTCAGCCGCTTTGCAGGGAGCAGCTCTCGGCAGCAGGCTGG[A>G]GAATGCAGCGTTGGTACCCCTGTGAAACCAAACAGTCTGGGACCCTAGCAGGTCCAGCTG-3'